The following is an entry in ClinVar:

ClinVar aggregate classification (germline): Uncertain significance (1 of 4 stars; one submission).

Submission:

Dasa
Classification: Uncertain significance. Last evaluated: 2025-12-02. Review status: criteria provided, single submitter. Criteria: DASA Assertion Criteria. Collection method: clinical testing. Allele origin: germline.
Comment: NM_002224.4(ITPR3):c.5011C>T (p.Gln1671*) is a nonsense variant in ITPR3 predicted to introduce a premature termination codon. This variant is absent from population databases. The currently available literature and clinical evidence are not sufficient to establish a definitive association between this variant and the reported condition. Therefore, this variant is classified as a variant of uncertain significance.

NM_002224.4(ITPR3):c.5011C>T (p.Gln1671Ter)

Gene: ITPR3 (inositol 1,4,5-trisphosphate receptor type 3; plus strand). Cytogenetic location: 6p21.31.
Variant type: single nucleotide variant.
Coding change: c.5011C>T on transcript NM_002224.4 (MANE Select); coding-DNA position 5011, C replaced by T.
Protein change: p.Gln1671Ter; replaces glutamine 1671 with a stop codon.
Molecular consequence: nonsense.
Genome position (GRCh38, 1-based): chr6:33,684,430, C>T. VCF-style: chr6-33684430-C-T. GRCh37 (hg19) VCF-style: chr6-33652207-C-T.
Other names: short protein forms Q1671*.
Identifiers: ClinVar variation 4884958 (VCV004884958.2).